The following is an entry in ClinVar:

ClinVar aggregate classification (germline): Likely benign. Review status: criteria provided, multiple submitters, no conflicts (2 of 4 stars). 2 submissions from 2 submitters: Likely benign (2). Last evaluated 2018-01-12.

Conditions:
Griscelli syndrome type 2 (GS2). Also called: GRISCELLI SYNDROME WITH HEMOPHAGOCYTIC SYNDROME; PAID SYNDROME; PARTIAL ALBINISM AND IMMUNODEFICIENCY SYNDROME. Identifiers: Orphanet 381, Orphanet 79477, MedGen C1868679, MONDO:0011872, OMIM 607624.

Allele frequency attached by ClinVar (database versions not stated): 1000 Genomes Project 30x 0.00078; 1000 Genomes Project 0.00140; gnomAD 0.00158 and 0.00168; TOPMed 0.00176.

Submissions (2):

Illumina Laboratory Services, Illumina
Classification: Likely benign for Griscelli syndrome type 2. Last evaluated: 2018-01-12. Review status: criteria provided, single submitter. Criteria: ICSL Variant Classification Criteria 13 December 2019. Collection method: clinical testing. Allele origin: germline.
Comment: This variant was observed in the ICSL laboratory as part of a predisposition screen in an ostensibly healthy population. It had not been previously curated by ICSL or reported in the Human Gene Mutation Database (HGMD: prior to June 1st, 2018), and was therefore a candidate for classification through an automated scoring system. Utilizing variant allele frequency, disease prevalence and penetrance estimates, and inheritance mode, an automated score was calculated to assess if this variant is too frequent to cause the disease. Based on the score and internal cut-off values, a variant classified as likely benign is not then subjected to further curation. The score for this variant resulted in a classification of likely benign for this disease.

Breakthrough Genomics
Classification: Likely benign. Review status: criteria provided, single submitter. Criteria: ACMG Guidelines, 2015. Collection method: not provided. Allele origin: germline. Inheritance: Autosomal recessive inheritance. Affected: yes.

NM_183235.3(RAB27A):c.*2216A>G

Gene: RAB27A (RAB27A, member RAS oncogene family; minus strand). Cytogenetic location: 15q21.3.
Variant type: single nucleotide variant.
Coding change: c.*2216A>G on transcript NM_183235.3 (MANE Select); 2216 bases downstream of the stop codon, A replaced by G.
Molecular consequence: 3 prime UTR variant.
Genome position (GRCh38, 1-based): chr15:55,203,291, T>C on the plus strand (A>G on the coding strand, the complement: RAB27A is on the minus strand). VCF-style: chr15-55203291-T-C. GRCh37 (hg19) VCF-style: chr15-55495489-T-C.
Other names: c.*2216A>G (NM_004580.5, NM_183234.3, NM_183236.3).
Identifiers: ClinVar variation 888020 (VCV000888020.5), dbSNP rs150526064, ClinGen allele CA271241861.